The following is an entry in ClinVar:

NM_001020658.2(PUM1):c.1959C>G (p.Ser653Arg)

Gene: PUM1 (pumilio RNA binding family member 1; minus strand). Cytogenetic location: 1p35.2.
Variant type: single nucleotide variant.
Coding change: c.1959C>G on transcript NM_001020658.2 (MANE Select); coding-DNA position 1959, C replaced by G.
Protein change: p.Ser653Arg; replaces serine 653 with arginine.
Molecular consequence: missense variant.
Genome position (GRCh38, 1-based): chr1:30,966,109, G>C on the plus strand (C>G on the coding strand, the complement: PUM1 is on the minus strand). VCF-style: chr1-30966109-G-C. GRCh37 (hg19) VCF-style: chr1-31438956-G-C.
Other names: c.1959C>G, p.Ser653Arg (NM_014676.3); short protein forms S653R.
Identifiers: ClinVar variation 3343724 (VCV003343724.1).

ClinVar aggregate classification (germline): Uncertain significance (1 of 4 stars; one submission).

Submission:

GeneDx
Classification: Uncertain significance. Last evaluated: 2023-05-18. Review status: criteria provided, single submitter. Criteria: GeneDx Variant Classification Process June 2021. Collection method: clinical testing. Allele origin: germline. Affected: yes.
Comment: Not observed at significant frequency in large population cohorts (gnomAD); In silico analysis supports that this missense variant does not alter protein structure/function; Has not been previously published as pathogenic or benign to our knowledge